The following is an entry in ClinVar:

ClinVar aggregate classification (germline): Conflicting classifications of pathogenicity. Review status: criteria provided, conflicting classifications (1 of 4 stars). 4 submissions from 4 submitters: Uncertain significance (3); Benign (1). Last evaluated 2026-03-20.

Conditions:
COL5A1-related disorder. Also called: COL5A1-related condition.
Familial thoracic aortic aneurysm and aortic dissection (TAAD). Also called: Thoracic aortic aneurysms and dissections. Identifiers: Orphanet 91387, MedGen C4707243, MONDO:0019625.
Ehlers-Danlos syndrome, classic type, 1 (EDSCL1). Also called: Ehlers-Danlos Syndrome, Classic Type, COL5A1-Related; EDS I; Ehlers-Danlos syndrome, type 1; EHLERS-DANLOS SYNDROME, GRAVIS TYPE; EHLERS-DANLOS SYNDROME, SEVERE CLASSIC TYPE. Identifiers: MedGen C0268335, MONDO:0019567, OMIM 130000.

Allele frequency attached by ClinVar (database versions not stated): ExAC 0.00001; gnomAD 0.00003; gnomAD exomes 0.00003; TOPMed 0.00004; ESP Exome Variant Server 0.00008.
gnomAD v4.1: 26 of 1,613,558 alleles (0.0016%); highest among the groups gnomAD compares: Admixed American, 0.013%; no homozygotes.

Submissions (4):

PreventionGenetics, part of Exact Sciences
Classification: Uncertain significance for COL5A1-related condition. Last evaluated: 2026-03-20. Review status: criteria provided, single submitter. Criteria: ACMG Guidelines, 2015. Collection method: clinical testing. Allele origin: germline.
Comment: The COL5A1 c.2042G>A variant is predicted to result in the amino acid substitution p.Arg681His. To our knowledge, this variant has not been reported in the literature. This variant is reported in 0.017% of alleles in individuals of Latino descent in gnomAD. Although we suspect that this variant may be benign, at this time, the clinical significance of this variant is uncertain due to the absence of conclusive functional and genetic evidence.

Labcorp Genetics (formerly Invitae), Labcorp
Classification: Benign for Ehlers-Danlos syndrome, classic type, 1. Last evaluated: 2025-10-21. Review status: criteria provided, single submitter. Criteria: Invitae Variant Classification Sherloc (09022015). Collection method: clinical testing. Allele origin: germline.

Ambry Genetics
Classification: Uncertain significance for Familial thoracic aortic aneurysm and aortic dissection. Last evaluated: 2025-07-03. Review status: criteria provided, single submitter. Criteria: Ambry Variant Classification Scheme 2023. Collection method: clinical testing. Allele origin: germline.
Comment: The p.R681H variant (also known as c.2042G>A), located in coding exon 21 of the COL5A1 gene, results from a G to A substitution at nucleotide position 2042. The arginine at codon 681 is replaced by histidine, an amino acid with highly similar properties. This amino acid position is highly conserved in available vertebrate species. In addition, the in silico prediction for this alteration is inconclusive. Based on the available evidence, the clinical significance of this variant remains unclear.

GeneDx
Classification: Uncertain significance. Last evaluated: 2025-06-17. Review status: criteria provided, single submitter. Criteria: GeneDx Variant Classification Process June 2021. Collection method: clinical testing. Allele origin: germline. Affected: yes.
Comment: Has not been previously published as pathogenic or benign to our knowledge; In silico analysis supports that this missense variant has a deleterious effect on protein structure/function; Occurs in the triple helical domain at the Y position in the canonical Gly-X-Y repeat; although this variant may have an effect on normal protein folding and function, missense substitution at the Y position is not a common mechanism of disease (PMID: 22696272; HGMD); This variant is associated with the following publications: (PMID: 22696272)

NM_000093.5(COL5A1):c.2042G>A (p.Arg681His)

Gene: COL5A1 (collagen type V alpha 1 chain; plus strand). Cytogenetic location: 9q34.3.
Variant type: single nucleotide variant.
Coding change: c.2042G>A on transcript NM_000093.5 (MANE Select); coding-DNA position 2042, G replaced by A.
Protein change: p.Arg681His; replaces arginine 681 with histidine.
Molecular consequence: missense variant.
Genome position (GRCh38, 1-based): chr9:134,765,688, G>A. VCF-style: chr9-134765688-G-A. GRCh37 (hg19) VCF-style: chr9-137657534-G-A.
Other names: c.2042G>A, p.Arg681His (NM_001278074.1); c.2042G>A (NM_000093.3); short protein forms R681H.
Identifiers: ClinVar variation 658191 (VCV000658191.53), dbSNP rs371580094, ClinGen allele CA5319134.